The following is an entry in ClinVar:

ClinVar aggregate classification (germline): Likely benign. Review status: criteria provided, single submitter (1 of 4 stars). 2 submissions from 2 submitters: Likely benign (1). 1 of the submissions does not count toward it. Last evaluated 2023-04-28.

Conditions:
Peroxisome biogenesis disorder. Identifiers: Orphanet 79189, MedGen C1832200, MONDO:0019234. Disease mechanism: loss of function.
PEX6-related disorder. Also called: PEX6-related disorders; PEX6-related condition.

Allele frequency attached by ClinVar (database versions not stated): gnomAD exomes below 0.00001; gnomAD 0.00001; TOPMed 0.00002.
gnomAD v4.1: 2 of 1,613,838 alleles (0.00012%); highest among the groups gnomAD compares: East Asian, 0.0022%; no homozygotes.

Submissions (2):

Labcorp Genetics (formerly Invitae), Labcorp
Classification: Likely benign for Peroxisome biogenesis disorder. Last evaluated: 2023-04-28. Review status: criteria provided, single submitter. Criteria: Invitae Variant Classification Sherloc (09022015). Collection method: clinical testing. Allele origin: germline.

PreventionGenetics, part of Exact Sciences
Classification: Likely benign for PEX6-related condition. Last evaluated: 2022-08-01. Review status: no assertion criteria provided. Collection method: clinical testing. Allele origin: germline. Not counted in ClinVar's aggregate classification.
Comment: This variant is classified as likely benign based on ACMG/AMP sequence variant interpretation guidelines (Richards et al. 2015 PMID: 25741868, with internal and published modifications).

NM_000287.4(PEX6):c.1404A>G (p.Leu468=)

Gene: PEX6 (peroxisomal biogenesis factor 6; minus strand). Cytogenetic location: 6p21.1.
Variant type: single nucleotide variant.
Coding change: c.1404A>G on transcript NM_000287.4 (MANE Select); coding-DNA position 1404, A replaced by G.
Protein change: p.Leu468=; no amino-acid change (leucine 468 retained).
Molecular consequence: synonymous variant. On other transcripts: non-coding transcript variant (1).
Genome position (GRCh38, 1-based): chr6:42,968,949, T>C on the plus strand (A>G on the coding strand, the complement: PEX6 is on the minus strand). VCF-style: chr6-42968949-T-C. GRCh37 (hg19) VCF-style: chr6-42936687-T-C.
Other names: c.1140A>G, p.Leu380= (NM_001316313.2); c.1404A>G (NM_000287.3).
Identifiers: ClinVar variation 2831920 (VCV002831920.5), dbSNP rs1486160310, ClinGen allele CA450254089.